The following is an entry in ClinVar:

NM_000135.4(FANCA):c.1798C>T (p.Arg600Cys)

Gene: FANCA (FA complementation group A; minus strand). Cytogenetic location: 16q24.3.
Variant type: single nucleotide variant.
Coding change: c.1798C>T on transcript NM_000135.4 (MANE Select); coding-DNA position 1798, C replaced by T.
Protein change: p.Arg600Cys; replaces arginine 600 with cysteine.
Molecular consequence: missense variant.
Genome position (GRCh38, 1-based): chr16:89,778,829, G>A on the plus strand (C>T on the coding strand, the complement: FANCA is on the minus strand). VCF-style: chr16-89778829-G-A. GRCh37 (hg19) VCF-style: chr16-89845237-G-A.
Other names: c.1798C>T (NM_000135.3); c.1798C>T, p.Arg600Cys (NM_001286167.3); short protein forms R600C.
Identifiers: ClinVar variation 1026540 (VCV001026540.11), dbSNP rs765036744, ClinGen allele CA8252066.
Genomic context (GRCh38, chr16:89,778,829, plus strand): 5'-GTAGTCATCCCCTTCTAACCGTTGCTGCATACCTCTTCAGAGACTCTATAAACGCCACAC[G>A]GGAGTCAGGGACTTTGGGGAGCTGTGGGAAGAGAAGAGACCTGTGAGAGACTGACAAGGA-3'
Protein context (NP_000126.2, residues 590-610): PRVLPKVPDS[Arg600Cys]VAFIESLKRA

ClinVar aggregate classification (germline): Uncertain significance. Review status: criteria provided, multiple submitters, no conflicts (2 of 4 stars). 4 submissions from 4 submitters: Uncertain significance (3). 1 of the submissions does not count toward it. Last evaluated 2024-06-05.

Conditions:
Fanconi anemia (FA). Also called: Fanconi's anemia. Identifiers: Orphanet 84, MedGen C0015625, MeSH D005199, MONDO:0019391.
Fanconi anemia complementation group A (FANCA). Also called: Fanconi anemia, group A; FANCA-Related Fanconi Anemia. Identifiers: Orphanet 84, MedGen C3469521, MONDO:0009215, OMIM 227650.

Allele frequency attached by ClinVar (database versions not stated): TOPMed below 0.00001; gnomAD 0.00001; gnomAD exomes 0.00001; ExAC 0.00002.
gnomAD v4.1: 10 of 1,613,924 alleles (0.00062%); highest among the groups gnomAD compares: East Asian, 0.0067%; no homozygotes.

Submissions (4):

Quest Diagnostics Nichols Institute San Juan Capistrano
Classification: Uncertain significance. Last evaluated: 2024-06-05. Review status: criteria provided, single submitter. Criteria: Quest Diagnostics criteria. Collection method: clinical testing. Allele origin: unknown.
Comment: The FANCA c.1798C>T (p.Arg600Cys) variant has not been reported in individuals with FANCA-related conditions in the published literature. The frequency of this variant in the general population, 0.000014 (4/282852 chromosomes (Genome Aggregation Database)), is uninformative in the assessment of its pathogenicity. Analysis of this variant using bioinformatics tools for the prediction of the effect of amino acid changes on protein structure and function yielded conflicting predictions that this variant is benign or damaging. Based on the available information, we are unable to determine the clinical significance of this variant.

Labcorp Genetics (formerly Invitae), Labcorp
Classification: Uncertain significance for Fanconi anemia. Last evaluated: 2024-04-23. Review status: criteria provided, single submitter. Criteria: Invitae Variant Classification Sherloc (09022015). Collection method: clinical testing. Allele origin: germline.
Comment: This sequence change replaces arginine, which is basic and polar, with cysteine, which is neutral and slightly polar, at codon 600 of the FANCA protein (p.Arg600Cys). This variant is present in population databases (rs765036744, gnomAD 0.01%). This variant has not been reported in the literature in individuals affected with FANCA-related conditions. ClinVar contains an entry for this variant (Variation ID: 1026540). Advanced modeling of protein sequence and biophysical properties (such as structural, functional, and spatial information, amino acid conservation, physicochemical variation, residue mobility, and thermodynamic stability) performed at Invitae indicates that this missense variant is expected to disrupt FANCA protein function with a positive predictive value of 80%. In summary, the available evidence is currently insufficient to determine the role of this variant in disease. Therefore, it has been classified as a Variant of Uncertain Significance.

Fulgent Genetics
Classification: Uncertain significance for Fanconi anemia complementation group A. Last evaluated: 2022-02-19. Review status: criteria provided, single submitter. Criteria: ACMG Guidelines, 2015. Collection method: clinical testing. Allele origin: unknown.

Natera, Inc.
Classification: Uncertain significance for Fanconi anemia. Last evaluated: 2020-11-03. Review status: no assertion criteria provided. Collection method: clinical testing. Allele origin: germline. Not counted in ClinVar's aggregate classification.

Literature cited by the submitters: PubMed 34741701 (cited by Quest Diagnostics Nichols Institute San Juan Capistrano).